The following is an entry in ClinVar:

ClinVar aggregate classification (germline): Uncertain significance (1 of 4 stars; one submission).

Conditions:
PCNT-related disorder. Also called: PCNT-related condition.

Submission:

PreventionGenetics, part of Exact Sciences
Classification: Uncertain significance for PCNT-related condition. Last evaluated: 2025-12-28. Review status: criteria provided, single submitter. Criteria: ACMG Guidelines, 2015. Collection method: clinical testing. Allele origin: germline.
Comment: The PCNT c.3666G>T variant is predicted to result in the amino acid substitution p.Leu1222Phe. To our knowledge, this variant has not been reported in the literature or in a large population database (gnomAD), indicating this variant is rare. At this time, the clinical significance of this variant is uncertain due to the absence of conclusive functional and genetic evidence.

NM_006031.6(PCNT):c.3666G>T (p.Leu1222Phe)

Gene: PCNT (pericentrin; plus strand). Cytogenetic location: 21q22.3.
Variant type: single nucleotide variant.
Coding change: c.3666G>T on transcript NM_006031.6 (MANE Select); coding-DNA position 3666, G replaced by T.
Protein change: p.Leu1222Phe; replaces leucine 1222 with phenylalanine.
Molecular consequence: missense variant.
Genome position (GRCh38, 1-based): chr21:46,389,257, G>T. VCF-style: chr21-46389257-G-T. GRCh37 (hg19) VCF-style: chr21-47809172-G-T.
Other names: c.3312G>T, p.Leu1104Phe (NM_001315529.2); short protein forms L1222F, L1104F.
Identifiers: ClinVar variation 4995853 (VCV004995853.1).
Genomic context (GRCh38, chr21:46,389,257, plus strand): 5'-AGCTCCGGCGCTGGAGGAGACATGGTCTGATGTGGCCCTCCCGGAGTTGGACAGAACTTT[G>T]TCTGAATGTGCAGAGATGTCTTCCGTGGCTGAAATTAGCAGCCACATGCGTGAAAGCTTT-3'
Protein context (NP_006022.3, residues 1212-1232): DVALPELDRT[Leu1222Phe]SECAEMSSVA